The following is an entry in ClinVar:

ClinVar aggregate classification (germline): Uncertain significance (1 of 4 stars; one submission).

Allele frequency attached by ClinVar (database versions not stated): ExAC 0.00001; gnomAD 0.00001; gnomAD exomes 0.00001; TOPMed 0.00002; ESP Exome Variant Server 0.00015.
gnomAD v4.1: 13 of 1,614,088 alleles (0.00081%); highest among the groups gnomAD compares: Non-Finnish European, 0.001%; no homozygotes.

Submission:

Labcorp Genetics (formerly Invitae), Labcorp
Classification: Uncertain significance. Last evaluated: 2023-09-08. Review status: criteria provided, single submitter. Criteria: Invitae Variant Classification Sherloc (09022015). Collection method: clinical testing. Allele origin: germline.
Comment: In summary, the available evidence is currently insufficient to determine the role of this variant in disease. Therefore, it has been classified as a Variant of Uncertain Significance. Advanced modeling of protein sequence and biophysical properties (such as structural, functional, and spatial information, amino acid conservation, physicochemical variation, residue mobility, and thermodynamic stability) performed at Invitae indicates that this missense variant is not expected to disrupt MYH3 protein function. This variant is present in population databases (rs369612990, gnomAD 0.0009%). ClinVar contains an entry for this variant (Variation ID: 2198560). This variant has not been reported in the literature in individuals affected with MYH3-related conditions. This sequence change replaces glutamic acid, which is acidic and polar, with lysine, which is basic and polar, at codon 1908 of the MYH3 protein (p.Glu1908Lys).

NM_002470.4(MYH3):c.5722G>A (p.Glu1908Lys)

Gene: MYH3 (myosin heavy chain 3; minus strand). Cytogenetic location: 17p13.1.
Variant type: single nucleotide variant.
Coding change: c.5722G>A on transcript NM_002470.4 (MANE Select); coding-DNA position 5722, G replaced by A.
Protein change: p.Glu1908Lys; replaces glutamic acid 1908 with lysine.
Molecular consequence: missense variant.
Genome position (GRCh38, 1-based): chr17:10,629,671, C>T on the plus strand (G>A on the coding strand, the complement: MYH3 is on the minus strand). VCF-style: chr17-10629671-C-T. GRCh37 (hg19) VCF-style: chr17-10532988-C-T.
Other names: short protein forms E1908K.
Identifiers: ClinVar variation 2198560 (VCV002198560.4), dbSNP rs369612990, ClinGen allele CA8391818.
Genomic context (GRCh38, chr17:10,629,671, plus strand): 5'-AGTCTCGAGTCTTAGCGCGGAGCTTGTTGACTTGAGATTCTGCGATATCCGCACGTTCCT[C>T]GGCCTCCTCCAGCTCATGCTGAGCCTTTCGGAATTTGGTGAGATGAGCATTGGCTTGTTC-3'
Protein context (NP_002461.2, residues 1898-1918): RKAQHELEEA[Glu1908Lys]ERADIAESQV